The following is an entry in ClinVar:

ClinVar aggregate classification (germline): Benign/Likely benign. Review status: criteria provided, multiple submitters, no conflicts (2 of 4 stars). 7 submissions from 7 submitters: Benign (3); Likely benign (2). 2 of the submissions do not count toward it. Last evaluated 2026-01-17.

Conditions:
GFM1-related disorder. Also called: GFM1-related condition.
Hepatoencephalopathy due to combined oxidative phosphorylation defect type 1. Also called: HEPATOENCEPHALOPATHY, EARLY FATAL PROGRESSIVE. Identifiers: Orphanet 137681, MedGen C1836797, MONDO:0012191, OMIM 609060.

Allele frequency attached by ClinVar (database versions not stated): gnomAD exomes 0.00037 and 0.00079; ExAC 0.00103; 1000 Genomes Project 0.00359; ESP Exome Variant Server 0.00369; gnomAD 0.00371 and 0.00399; 1000 Genomes Project 30x 0.00375; TOPMed 0.00389.
gnomAD v4.1: 1,127 of 1,612,672 alleles (0.07%); highest among the groups gnomAD compares: African/African-American, 1.4%; 11 homozygotes.

Submissions (7):

Labcorp Genetics (formerly Invitae), Labcorp
Classification: Benign. Last evaluated: 2026-01-17. Review status: criteria provided, single submitter. Criteria: Invitae Variant Classification Sherloc (09022015). Collection method: clinical testing. Allele origin: germline.

Mayo Clinic Laboratories, Mayo Clinic
Classification: Benign. Last evaluated: 2018-08-06. Review status: criteria provided, single submitter. Criteria: ACMG Guidelines, 2015. Collection method: clinical testing. Allele origin: germline. Observed: 6 variant alleles.

Illumina Laboratory Services, Illumina
Classification: Likely benign for Hepatoencephalopathy due to combined oxidative phosphorylation defect type 1. Last evaluated: 2018-01-13. Review status: criteria provided, single submitter. Criteria: ICSL Variant Classification Criteria 13 December 2019. Collection method: clinical testing. Allele origin: germline.
Comment: This variant was observed in the ICSL laboratory as part of a predisposition screen in an ostensibly healthy population. It had not been previously curated by ICSL or reported in the Human Gene Mutation Database (HGMD: prior to June 1st, 2018), and was therefore a candidate for classification through an automated scoring system. Utilizing variant allele frequency, disease prevalence and penetrance estimates, and inheritance mode, an automated score was calculated to assess if this variant is too frequent to cause the disease. Based on the score and internal cut-off values, a variant classified as likely benign is not then subjected to further curation. The score for this variant resulted in a classification of likely benign for this disease.

GeneDx
Classification: Benign. Last evaluated: 2014-12-24. Review status: criteria provided, single submitter. Criteria: GeneDx Variant Classification (06012015). Collection method: clinical testing. Allele origin: germline. Affected: yes.
Comment: This variant is considered likely benign or benign based on one or more of the following criteria: it is a conservative change, it occurs at a poorly conserved position in the protein, it is predicted to be benign by multiple in silico algorithms, and/or has population frequency not consistent with disease.

Breakthrough Genomics
Classification: Likely benign. Review status: criteria provided, single submitter. Criteria: ACMG Guidelines, 2015. Collection method: not provided. Allele origin: germline. Inheritance: Autosomal recessive inheritance. Affected: yes.

Natera, Inc.
Classification: Benign for Combined oxidative phosphorylation deficiency 1. Last evaluated: 2020-09-16. Review status: no assertion criteria provided. Collection method: clinical testing. Allele origin: germline. Not counted in ClinVar's aggregate classification.

PreventionGenetics, part of Exact Sciences
Classification: Benign for GFM1-related condition. Last evaluated: 2020-03-27. Review status: no assertion criteria provided. Collection method: clinical testing. Allele origin: germline. Not counted in ClinVar's aggregate classification.
Comment: This variant is classified as benign based on ACMG/AMP sequence variant interpretation guidelines (Richards et al. 2015 PMID: 25741868, with internal and published modifications).

NM_024996.7(GFM1):c.1593C>T (p.Ala531=)

Gene: GFM1 (G elongation factor mitochondrial 1; plus strand). Cytogenetic location: 3q25.32.
Variant type: single nucleotide variant.
Coding change: c.1593C>T on transcript NM_024996.7 (MANE Select); coding-DNA position 1593, C replaced by T.
Protein change: p.Ala531=; no amino-acid change (alanine 531 retained).
Molecular consequence: synonymous variant. On other transcripts: non-coding transcript variant (4).
Genome position (GRCh38, 1-based): chr3:158,666,378, C>T. VCF-style: chr3-158666378-C-T. GRCh37 (hg19) VCF-style: chr3-158384167-C-T.
Other names: p.A531A:GCC>GCT; p.Ala531=; c.1650C>T (NM_001308164.1); c.1650C>T, p.Ala550= (NM_001308164.2); c.1593C>T, p.Ala531= (NM_001308166.2); c.1512C>T, p.Ala504= (NM_001374355.1); c.1476C>T, p.Ala492= (NM_001374356.1); c.1368C>T, p.Ala456= (NM_001374357.1); and 3 more.
Identifiers: ClinVar variation 214480 (VCV000214480.20), dbSNP rs114754676, ClinGen allele CA321648.